The following is an entry in ClinVar:

NM_052947.4(ALPK2):c.283A>G (p.Met95Val)

Gene: ALPK2 (alpha kinase 2; minus strand). Cytogenetic location: 18q21.31.
Variant type: single nucleotide variant.
Coding change: c.283A>G on transcript NM_052947.4 (MANE Select); coding-DNA position 283, A replaced by G.
Protein change: p.Met95Val; replaces methionine 95 with valine.
Molecular consequence: missense variant.
Genome position (GRCh38, 1-based): chr18:58,580,493, T>C on the plus strand (A>G on the coding strand, the complement: ALPK2 is on the minus strand). VCF-style: chr18-58580493-T-C. GRCh37 (hg19) VCF-style: chr18-56247725-T-C.
Other names: short protein forms M95V.
Identifiers: ClinVar variation 1796689 (VCV001796689.3), dbSNP rs2518900445, ClinGen allele CA402568322.

ClinVar aggregate classification (germline): Uncertain significance (1 of 4 stars; one submission).

Allele frequency attached by ClinVar (database versions not stated): gnomAD exomes below 0.00001.
gnomAD v4.1: 1 of 1,614,174 alleles (0.000062%); highest among the groups gnomAD compares: African/African-American, 0.0013%; no homozygotes.

Submission:

Ambry Genetics
Classification: Uncertain significance. Last evaluated: 2024-09-02. Review status: criteria provided, single submitter. Criteria: Ambry Variant Classification Scheme 2023. Collection method: clinical testing. Allele origin: germline.
Comment: The p.M95V variant (also known as c.283A>G), located in coding exon 3 of the ALPK2 gene, results from an A to G substitution at nucleotide position 283. The methionine at codon 95 is replaced by valine, an amino acid with highly similar properties. This amino acid position is conserved. In addition, this alteration is predicted to be tolerated by in silico analysis. Since supporting evidence is limited at this time, the clinical significance of this alteration remains unclear.